The following is an entry in ClinVar:

ClinVar aggregate classification (germline): Uncertain significance (1 of 4 stars; one submission).

Submission:

Labcorp Genetics (formerly Invitae), Labcorp
Classification: Uncertain significance. Last evaluated: 2025-09-24. Review status: criteria provided, single submitter. Criteria: Invitae Variant Classification Sherloc (09022015). Collection method: clinical testing. Allele origin: germline.
Comment: This sequence change falls in intron 2 of the TUBA8 gene. It does not directly change the encoded amino acid sequence of the TUBA8 protein. It affects a nucleotide within the consensus splice site. This variant is not present in population databases (gnomAD no frequency). This variant has not been reported in the literature in individuals affected with TUBA8-related conditions. Variants that disrupt the consensus splice site are a relatively common cause of aberrant splicing (PMID: 17576681, 9536098). Algorithms developed to predict the effect of sequence changes on RNA splicing suggest that this variant may disrupt the consensus splice site. In summary, the available evidence is currently insufficient to determine the role of this variant in disease. Therefore, it has been classified as a Variant of Uncertain Significance.

Literature cited by the submitters: PubMed 17576681; PubMed 9536098.

NM_018943.3(TUBA8):c.226+6T>A

Gene: TUBA8 (tubulin alpha 8; plus strand). Cytogenetic location: 22q11.21.
Variant type: single nucleotide variant.
Coding change: c.226+6T>A on transcript NM_018943.3 (MANE Select); 6 bases into the intron after coding-DNA position 226, T replaced by A.
Molecular consequence: intron variant.
Genome position (GRCh38, 1-based): chr22:18,121,707, T>A. VCF-style: chr22-18121707-T-A. GRCh37 (hg19) VCF-style: chr22-18604474-T-A.
Other names: c.28+6T>A (NM_001193414.2).
Identifiers: ClinVar variation 4690991 (VCV004690991.1).